The following is an entry in ClinVar:

NM_181426.2(CCDC39):c.1137T>C (p.Asp379=)

Gene: CCDC39 (coiled-coil domain 39 molecular ruler complex subunit; minus strand). Cytogenetic location: 3q26.33.
Variant type: single nucleotide variant.
Coding change: c.1137T>C on transcript NM_181426.2 (MANE Select); coding-DNA position 1137, T replaced by C.
Protein change: p.Asp379=; no amino-acid change (aspartic acid 379 retained).
Molecular consequence: synonymous variant.
Genome position (GRCh38, 1-based): chr3:180,651,431, A>G on the plus strand (T>C on the coding strand, the complement: CCDC39 is on the minus strand). VCF-style: chr3-180651431-A-G. GRCh37 (hg19) VCF-style: chr3-180369219-A-G.
Identifiers: ClinVar variation 900519 (VCV000900519.11), dbSNP rs374132008, ClinGen allele CA2716008.

ClinVar aggregate classification (germline): Conflicting classifications of pathogenicity. Review status: criteria provided, conflicting classifications (1 of 4 stars). 4 submissions from 4 submitters: Uncertain significance (1); Benign (1); Likely benign (1). 1 of the submissions does not count toward it. Last evaluated 2025-12-28.

Conditions:
Primary ciliary dyskinesia 14. Also called: CILIARY DYSKINESIA, PRIMARY, 14, WITH OR WITHOUT SITUS INVERSUS. Identifiers: Orphanet 244, MedGen C3151136, MONDO:0013434, OMIM 613807.
Primary ciliary dyskinesia. Also called: Ciliary dyskinesia. Identifiers: Orphanet 244, MedGen C0008780, MONDO:0016575, HP:0012265.
CCDC39-related disorder. Also called: CCDC39-related condition.

Allele frequency attached by ClinVar (database versions not stated): gnomAD exomes 0.00029 and 0.00053; gnomAD 0.00034 and 0.00035; 1000 Genomes Project 30x 0.00047; ExAC 0.00053; 1000 Genomes Project 0.00060; TOPMed 0.00005; ESP Exome Variant Server 0.00009.
gnomAD v4.1: 462 of 1,559,496 alleles (0.03%); highest among the groups gnomAD compares: East Asian, 0.066%; 1 homozygote.

Submissions (4):

Labcorp Genetics (formerly Invitae), Labcorp
Classification: Benign for Primary ciliary dyskinesia. Last evaluated: 2025-12-28. Review status: criteria provided, single submitter. Criteria: Invitae Variant Classification Sherloc (09022015). Collection method: clinical testing. Allele origin: germline.

Ambry Genetics
Classification: Likely benign for Primary ciliary dyskinesia. Last evaluated: 2025-10-27. Review status: criteria provided, single submitter. Criteria: Ambry Variant Classification Scheme 2023. Collection method: clinical testing. Allele origin: germline.

Illumina Laboratory Services, Illumina
Classification: Uncertain significance for Primary ciliary dyskinesia 14. Last evaluated: 2018-01-12. Review status: criteria provided, single submitter. Criteria: ICSL Variant Classification Criteria 13 December 2019. Collection method: clinical testing. Allele origin: germline.

PreventionGenetics, part of Exact Sciences
Classification: Likely benign for CCDC39-related condition. Last evaluated: 2019-02-28. Review status: no assertion criteria provided. Collection method: clinical testing. Allele origin: germline. Not counted in ClinVar's aggregate classification.
Comment: This variant is classified as likely benign based on ACMG/AMP sequence variant interpretation guidelines (Richards et al. 2015 PMID: 25741868, with internal and published modifications).